The following is an entry in ClinVar:

NM_014946.4(SPAST):c.494del (p.Thr165fs)

Gene: SPAST (spastin; plus strand). Cytogenetic location: 2p22.3.
Variant type: Deletion.
Coding change: c.494del on transcript NM_014946.4 (MANE Select); coding-DNA position 494, one base deleted (C; older notation c.494delC).
Protein change: p.Thr165fs; shifts the reading frame from threonine 165.
Molecular consequence: frameshift variant.
Genome position (GRCh38, 1-based): chr2:32,087,570, C deleted. VCF-style (leftmost placement, unchanged base first): chr2-32087569-AC-A. GRCh37 (hg19) VCF-style: chr2-32312638-AC-A.
Other names: c.494del, p.Thr165fs (NM_001377959.1, NM_199436.2); c.491del, p.Thr164fs (NM_001363823.2, NM_001363875.2); short protein forms T165fs, T164fs.
Identifiers: ClinVar variation 1395258 (VCV001395258.6), dbSNP rs2148708949, ClinGen allele CA2573134495.

ClinVar aggregate classification (germline): Pathogenic (1 of 4 stars; one submission).

Conditions:
Hereditary spastic paraplegia 4. Also called: Spastic Paraplegia 4; Familial spastic paraplegia autosomal dominant 2; Spastic paraplegia 4, autosomal dominant. Identifiers: Orphanet 100985, MedGen C1866855, MONDO:0008438, OMIM 182601.

Submission:

Labcorp Genetics (formerly Invitae), Labcorp
Classification: Pathogenic for Hereditary spastic paraplegia 4. Last evaluated: 2024-04-29. Review status: criteria provided, single submitter. Criteria: Invitae Variant Classification Sherloc (09022015). Collection method: clinical testing. Allele origin: germline.
Comment: This sequence change creates a premature translational stop signal (p.Thr165Lysfs*17) in the SPAST gene. It is expected to result in an absent or disrupted protein product. Loss-of-function variants in SPAST are known to be pathogenic (PMID: 20932283). This variant is not present in population databases (gnomAD no frequency). This variant has not been reported in the literature in individuals affected with SPAST-related conditions. ClinVar contains an entry for this variant (Variation ID: 1395258). For these reasons, this variant has been classified as Pathogenic.

Literature cited by the submitters: PubMed 20932283.